The following is an entry in ClinVar:

ClinVar aggregate classification (germline): Uncertain significance (1 of 4 stars; one submission).

Allele frequency attached by ClinVar (database versions not stated): TOPMed 0.00001.

Submission:

GeneDx
Classification: Uncertain significance. Last evaluated: 2025-06-16. Review status: criteria provided, single submitter. Criteria: GeneDx Variant Classification Process June 2021. Collection method: clinical testing. Allele origin: germline. Affected: yes.
Comment: Not observed in large population cohorts (gnomAD); In silico analysis, which includes protein predictors and evolutionary conservation, supports a deleterious effect; Has not been previously published as pathogenic or benign to our knowledge

NM_005559.4(LAMA1):c.6928T>C (p.Phe2310Leu)

Gene: LAMA1 (laminin subunit alpha 1; minus strand). Cytogenetic location: 18p11.31.
Variant type: single nucleotide variant.
Coding change: c.6928T>C on transcript NM_005559.4 (MANE Select); coding-DNA position 6928, T replaced by C.
Protein change: p.Phe2310Leu; replaces phenylalanine 2310 with leucine.
Molecular consequence: missense variant.
Genome position (GRCh38, 1-based): chr18:6,966,269, A>G on the plus strand (T>C on the coding strand, the complement: LAMA1 is on the minus strand). VCF-style: chr18-6966269-A-G. GRCh37 (hg19) VCF-style: chr18-6966268-A-G.
Other names: short protein forms F2310L.
Identifiers: ClinVar variation 1306439 (VCV001306439.3), dbSNP rs2057632962, ClinGen allele CA401827581.